The following is an entry in ClinVar:

NM_015141.4(GPD1L):c.649G>A (p.Asp217Asn)

Gene: GPD1L (glycerol-3-phosphate dehydrogenase 1 like; plus strand). Cytogenetic location: 3p22.3.
Variant type: single nucleotide variant.
Coding change: c.649G>A on transcript NM_015141.4 (MANE Select); coding-DNA position 649, G replaced by A.
Protein change: p.Asp217Asn; replaces aspartic acid 217 with asparagine.
Molecular consequence: missense variant.
Genome position (GRCh38, 1-based): chr3:32,158,906, G>A. VCF-style: chr3-32158906-G-A. GRCh37 (hg19) VCF-style: chr3-32200398-G-A.
Other names: short protein forms D217N.
Identifiers: ClinVar variation 3854964 (VCV003854964.2).

ClinVar aggregate classification (germline): Uncertain significance (1 of 4 stars; one submission).

Conditions:
Cardiovascular phenotype. Identifiers: MedGen CN230736.

Submission:

Ambry Genetics
Classification: Uncertain significance for Cardiovascular phenotype. Last evaluated: 2025-10-26. Review status: criteria provided, single submitter. Criteria: Ambry Variant Classification Scheme 2023. Collection method: clinical testing. Allele origin: germline.
Comment: The p.D217N variant (also known as c.649G>A), located in coding exon 6 of the GPD1L gene, results from a G to A substitution at nucleotide position 649. The aspartic acid at codon 217 is replaced by asparagine, an amino acid with highly similar properties. This amino acid position is conserved. In addition, the in silico prediction for this alteration is inconclusive. Based on the available evidence, the clinical significance of this variant remains unclear.